The following is an entry in ClinVar:

ClinVar aggregate classification (germline): Uncertain significance (1 of 4 stars; one submission).

Conditions:
Tay-Sachs disease (TSD). Also called: HEXA DEFICIENCY; GM2 gangliosidosis, type 1; Hexosaminidase alpha-subunit deficiency (variant B); Sphingolipidosis, Tay-Sachs; Hexosaminidase A Deficiency; HEXA Disorders. Identifiers: Orphanet 845, MedGen C0039373, MONDO:0010100, OMIM 272800.

Submission:

Labcorp Genetics (formerly Invitae), Labcorp
Classification: Uncertain significance for Tay-Sachs disease. Last evaluated: 2022-03-30. Review status: criteria provided, single submitter. Criteria: Invitae Variant Classification Sherloc (09022015). Collection method: clinical testing. Allele origin: germline.
Comment: This sequence change replaces alanine, which is neutral and non-polar, with threonine, which is neutral and polar, at codon 53 of the HEXA protein (p.Ala53Thr). This variant is not present in population databases (gnomAD no frequency). This variant has not been reported in the literature in individuals affected with HEXA-related conditions. Algorithms developed to predict the effect of missense changes on protein structure and function are either unavailable or do not agree on the potential impact of this missense change (SIFT: "Deleterious"; PolyPhen-2: "Possibly Damaging"; Align-GVGD: "Class C0"). In summary, the available evidence is currently insufficient to determine the role of this variant in disease. Therefore, it has been classified as a Variant of Uncertain Significance.

NM_000520.6(HEXA):c.157G>A (p.Ala53Thr)

Gene: HEXA (hexosaminidase subunit alpha; minus strand). Cytogenetic location: 15q23.
Variant type: single nucleotide variant.
Coding change: c.157G>A on transcript NM_000520.6 (MANE Select); coding-DNA position 157, G replaced by A.
Protein change: p.Ala53Thr; replaces alanine 53 with threonine.
Molecular consequence: missense variant. On other transcripts: non-coding transcript variant (1).
Genome position (GRCh38, 1-based): chr15:72,375,816, C>T on the plus strand (G>A on the coding strand, the complement: HEXA is on the minus strand). VCF-style: chr15-72375816-C-T. GRCh37 (hg19) VCF-style: chr15-72668157-C-T.
Other names: c.157G>A, p.Ala53Thr (NM_001318825.2); short protein forms A53T.
Identifiers: ClinVar variation 2056288 (VCV002056288.1), dbSNP rs2140344593, ClinGen allele CA393070353.